The following is an entry in ClinVar:

NM_001369.3(DNAH5):c.975+3C>A

Gene: DNAH5 (dynein axonemal heavy chain 5; minus strand). Cytogenetic location: 5p15.2.
Variant type: single nucleotide variant.
Coding change: c.975+3C>A on transcript NM_001369.3 (MANE Select); 3 bases into the intron after coding-DNA position 975, C replaced by A.
Molecular consequence: intron variant.
Genome position (GRCh38, 1-based): chr5:13,919,173, G>T on the plus strand (C>A on the coding strand, the complement: DNAH5 is on the minus strand). VCF-style: chr5-13919173-G-T. GRCh37 (hg19) VCF-style: chr5-13919282-G-T.
Identifiers: ClinVar variation 2139732 (VCV002139732.1), dbSNP rs754023963, ClinGen allele CA3205020.

ClinVar aggregate classification (germline): Uncertain significance (1 of 4 stars; one submission).

Conditions:
Primary ciliary dyskinesia. Also called: Ciliary dyskinesia. Identifiers: Orphanet 244, MedGen C0008780, MONDO:0016575, HP:0012265.

Allele frequency attached by ClinVar (database versions not stated): TOPMed below 0.00001; ExAC 0.00002; gnomAD 0.00005.
gnomAD v4.1: 125 of 1,613,686 alleles (0.0077%); highest among the groups gnomAD compares: East Asian, 0.28%; 2 homozygotes.

Submission:

Labcorp Genetics (formerly Invitae), Labcorp
Classification: Uncertain significance for Primary ciliary dyskinesia. Last evaluated: 2022-08-31. Review status: criteria provided, single submitter. Criteria: Invitae Variant Classification Sherloc (09022015). Collection method: clinical testing. Allele origin: germline.
Comment: This sequence change falls in intron 7 of the DNAH5 gene. It does not directly change the encoded amino acid sequence of the DNAH5 protein. It affects a nucleotide within the consensus splice site. This variant is present in population databases (rs754023963, gnomAD 0.01%). This variant has not been reported in the literature in individuals affected with DNAH5-related conditions. Variants that disrupt the consensus splice site are a relatively common cause of aberrant splicing (PMID: 17576681, 9536098). Algorithms developed to predict the effect of sequence changes on RNA splicing suggest that this variant is not likely to affect RNA splicing. In summary, the available evidence is currently insufficient to determine the role of this variant in disease. Therefore, it has been classified as a Variant of Uncertain Significance.

Literature cited by the submitters: PubMed 17576681; PubMed 9536098.